The following is an entry in ClinVar:

NM_001042492.3(NF1):c.2994T>A (p.Tyr998Ter)

Gene: NF1 (neurofibromin 1; plus strand). Cytogenetic location: 17q11.2.
Variant type: single nucleotide variant.
Coding change: c.2994T>A on transcript NM_001042492.3 (MANE Select); coding-DNA position 2994, T replaced by A.
Protein change: p.Tyr998Ter; replaces tyrosine 998 with a stop codon.
Molecular consequence: nonsense.
Genome position (GRCh38, 1-based): chr17:31,230,263, T>A. VCF-style: chr17-31230263-T-A. GRCh37 (hg19) VCF-style: chr17-29557281-T-A.
Other names: c.2994T>A, p.Tyr998Ter (NM_000267.4); short protein forms Y998*.
Identifiers: ClinVar variation 1798556 (VCV001798556.9), dbSNP rs1188437940, ClinGen allele CA398986513.

ClinVar aggregate classification (germline): Pathogenic. Review status: criteria provided, multiple submitters, no conflicts (2 of 4 stars). 4 submissions from 4 submitters: Pathogenic (4). Last evaluated 2025-09-24.

Conditions:
Hereditary cancer-predisposing syndrome. Also called: Neoplastic Syndromes, Hereditary; Tumor predisposition; Hereditary neoplastic syndrome; Hereditary Cancer Syndrome. Identifiers: Orphanet 140162, MedGen C0027672, MeSH D009386, MONDO:0015356.
Cardiovascular phenotype. Identifiers: MedGen CN230736.
Neurofibromatosis, type 1 (NF1). Also called: NEUROFIBROMATOSIS, TYPE I, SOMATIC; Peripheral type neurofibromatosis; VON RECKLINGHAUSEN DISEASE; Neurofibromatosis, type I. Identifiers: Orphanet 636, MedGen C0027831, MONDO:0018975, OMIM 162200. Disease mechanism: loss of function.

Submissions (4):

Genesolutions, Medical Genetics Institutes, Ho Chi Minh City, Vietnam
Classification: Pathogenic for Neurofibromatosis, type 1. Last evaluated: 2025-09-24. Review status: criteria provided, single submitter. Criteria: ACMG Guidelines, 2015. Collection method: clinical testing. Allele origin: germline. Affected: yes.

Labcorp Genetics (formerly Invitae), Labcorp
Classification: Pathogenic for Neurofibromatosis, type 1. Last evaluated: 2025-05-11. Review status: criteria provided, single submitter. Criteria: Invitae Variant Classification Sherloc (09022015). Collection method: clinical testing. Allele origin: germline.
Comment: This sequence change creates a premature translational stop signal (p.Tyr998*) in the NF1 gene. It is expected to result in an absent or disrupted protein product. Loss-of-function variants in NF1 are known to be pathogenic (PMID: 10712197, 23913538). This variant is not present in population databases (gnomAD no frequency). This premature translational stop signal has been observed in individual(s) with neurofibromatosis type 1 (PMID: 10712197, 16835897). Invitae Evidence Modeling of clinical and family history, age, sex, and reported ancestry of multiple individuals with this NF1 variant has been performed. This variant is expected to be pathogenic with a positive predictive value of at least 99%. This is a validated machine learning model that incorporates the clinical features of 1,785,918 individuals referred to our laboratory for NF1 testing. ClinVar contains an entry for this variant (Variation ID: 1798556). For these reasons, this variant has been classified as Pathogenic.

Ambry Genetics
Classification: Pathogenic for Cardiovascular phenotype; Hereditary cancer-predisposing syndrome. Last evaluated: 2025-03-03. Review status: criteria provided, single submitter. Criteria: Ambry Variant Classification Scheme 2023. Collection method: clinical testing. Allele origin: germline.
Comment: The c.2994T>A (p.Y998*) alteration, located in exon 23 (coding exon 23) of the NF1 gene, consists of a T to A substitution at nucleotide position 2994. This changes the amino acid from a tyrosine (Y) to a stop codon at amino acid position 998. This alteration is expected to result in loss of function by premature protein truncation or nonsense-mediated mRNA decay. This variant was not reported in population-based cohorts in the Genome Aggregation Database (gnomAD). Based on the available evidence, this alteration is classified as pathogenic.

GeneDx
Classification: Pathogenic. Last evaluated: 2022-05-19. Review status: criteria provided, single submitter. Criteria: GeneDx Variant Classification Process June 2021. Collection method: clinical testing. Allele origin: germline. Affected: yes.
Comment: Nonsense variant predicted to result in protein truncation or nonsense mediated decay in a gene for which loss of function is a known mechanism of disease; Not observed at significant frequency in large population cohorts (gnomAD); This variant is associated with the following publications: (PMID: 25525159, 16835897, 10712197)

Literature cited by the submitters: PubMed 10712197 (cited by Labcorp Genetics (formerly Invitae), Labcorp and Ambry Genetics); PubMed 23913538 (cited by Labcorp Genetics (formerly Invitae), Labcorp); PubMed 16835897 (cited by Labcorp Genetics (formerly Invitae), Labcorp and Ambry Genetics).